The following is an entry in ClinVar:

NM_198253.3(TERT):c.676G>T (p.Gly226Cys)

Gene: TERT (telomerase reverse transcriptase; minus strand). Cytogenetic location: 5p15.33.
Variant type: single nucleotide variant.
Coding change: c.676G>T on transcript NM_198253.3 (MANE Select); coding-DNA position 676, G replaced by T.
Protein change: p.Gly226Cys; replaces glycine 226 with cysteine.
Molecular consequence: missense variant. On other transcripts: non-coding transcript variant (2).
Genome position (GRCh38, 1-based): chr5:1,294,210, C>A on the plus strand (G>T on the coding strand, the complement: TERT is on the minus strand). VCF-style: chr5-1294210-C-A. GRCh37 (hg19) VCF-style: chr5-1294325-C-A.
Other names: c.676G>T, p.Gly226Cys (NM_001193376.3); short protein forms G226C.
Identifiers: ClinVar variation 947614 (VCV000947614.10), dbSNP rs1751218496, ClinGen allele CA359057050.

ClinVar aggregate classification (germline): Uncertain significance (1 of 4 stars; one submission).

Conditions:
Dyskeratosis congenita, autosomal dominant 2. Identifiers: MedGen C3151443, MONDO:0013521, OMIM 613989.
Idiopathic Pulmonary Fibrosis. Also called: Idiopathic fibrosing alveolitis, chronic form; idiopathic fibrosing alveolitis. Identifiers: Orphanet 2032, MedGen C1800706, MeSH D054990, MONDO:0800504.

Submission:

Labcorp Genetics (formerly Invitae), Labcorp
Classification: Uncertain significance for Dyskeratosis congenita, autosomal dominant 2; Idiopathic Pulmonary Fibrosis. Last evaluated: 2022-08-22. Review status: criteria provided, single submitter. Criteria: Invitae Variant Classification Sherloc (09022015). Collection method: clinical testing. Allele origin: germline.
Comment: This sequence change replaces glycine, which is neutral and non-polar, with cysteine, which is neutral and slightly polar, at codon 226 of the TERT protein (p.Gly226Cys). In summary, the available evidence is currently insufficient to determine the role of this variant in disease. Therefore, it has been classified as a Variant of Uncertain Significance. Advanced modeling of protein sequence and biophysical properties (such as structural, functional, and spatial information, amino acid conservation, physicochemical variation, residue mobility, and thermodynamic stability) performed at Invitae indicates that this missense variant is expected to disrupt TERT protein function. ClinVar contains an entry for this variant (Variation ID: 947614). This variant has not been reported in the literature in individuals affected with TERT-related conditions. This variant is not present in population databases (gnomAD no frequency).